The following is an entry in ClinVar:

NM_001384140.1(PCDH15):c.705+225T>C

Gene: PCDH15 (protocadherin related 15; minus strand). Cytogenetic location: 10q21.1.
Variant type: single nucleotide variant.
Coding change: c.705+225T>C on transcript NM_001384140.1 (MANE Select); 225 bases into the intron after coding-DNA position 705, T replaced by C.
Molecular consequence: intron variant.
Genome position (GRCh38, 1-based): chr10:54,329,371, A>G on the plus strand (T>C on the coding strand, the complement: PCDH15 is on the minus strand). VCF-style: chr10-54329371-A-G. GRCh37 (hg19) VCF-style: chr10-56089131-A-G.
Other names: c.705+225T>C (NM_001354420.2, NM_001354429.2, NM_001142772.2 and 7 more transcripts); c.720+225T>C (NM_001142771.2, NM_001142769.3, NM_001142763.2); c.639+225T>C (NM_001354404.2, NM_001142773.2, NM_001142768.2); c.595-11930T>C (NM_001142767.2).
Identifiers: ClinVar variation 678845 (VCV000678845.1), dbSNP rs857394, ClinGen allele CA207582262.
Genomic context (GRCh38, chr10:54,329,371, plus strand): 5'-AATTTGCAGGATCCTACTTTGAAAAATATTTCAGTATAGTCTAAAAAGGTTGGATAATGG[A>G]TAATACATATGAATAATTTAGAGGTCAAAGAATACAGTGAATAAAAACAACCTATTCTAT-3'

ClinVar aggregate classification (germline): Benign (1 of 4 stars; one submission).

Allele frequency attached by ClinVar (database versions not stated): 1000 Genomes Project 0.63458; gnomAD 0.73979 and 0.72621; TOPMed 0.73206; 1000 Genomes Project 30x 0.64569.
gnomAD v4.1: 110,296 of 151,620 alleles (73%); highest among the groups gnomAD compares: Middle Eastern, 83%; 41,092 homozygotes.

Submission:

GeneDx
Classification: Benign. Last evaluated: 2018-06-14. Review status: criteria provided, single submitter. Criteria: GeneDx Variant Classification (06012015). Collection method: clinical testing. Allele origin: germline. Affected: yes.
Comment: This variant is considered likely benign or benign based on one or more of the following criteria: it is a conservative change, it occurs at a poorly conserved position in the protein, it is predicted to be benign by multiple in silico algorithms, and/or has population frequency not consistent with disease.